The following is an entry in ClinVar:

NM_001457.4(FLNB):c.4302C>T (p.Gly1434=)

Gene: FLNB (filamin B; plus strand). Cytogenetic location: 3p14.3.
Variant type: single nucleotide variant.
Coding change: c.4302C>T on transcript NM_001457.4 (MANE Select); coding-DNA position 4302, C replaced by T.
Protein change: p.Gly1434=; no amino-acid change (glycine 1434 retained).
Molecular consequence: synonymous variant.
Genome position (GRCh38, 1-based): chr3:58,130,820, C>T. VCF-style: chr3-58130820-C-T. GRCh37 (hg19) VCF-style: chr3-58116547-C-T.
Other names: c.4302C>T, p.Gly1434= (NM_001164317.2, NM_001164318.2, NM_001164319.2).
Identifiers: ClinVar variation 2893174 (VCV002893174.9), dbSNP rs759747310, ClinGen allele CA2468716.

ClinVar aggregate classification (germline): Likely benign. Review status: criteria provided, multiple submitters, no conflicts (2 of 4 stars). 2 submissions from 2 submitters: Likely benign (2). Last evaluated 2025-10-01.

Allele frequency attached by ClinVar (database versions not stated): ExAC 0.00001.
gnomAD v4.1: 15 of 1,613,504 alleles (0.00093%); highest among the groups gnomAD compares: East Asian, 0.0022%; no homozygotes.

Submissions (2):

CeGaT Center for Human Genetics Tuebingen
Classification: Likely benign. Last evaluated: 2025-10-01. Review status: criteria provided, single submitter. Criteria: CeGaT Center For Human Genetics Tuebingen Variant Classification Criteria Version 2. Collection method: clinical testing. Allele origin: germline. Affected: yes. Observed: 1 variant allele.
Comment: FLNB: BP4, BP7

Labcorp Genetics (formerly Invitae), Labcorp
Classification: Likely benign. Last evaluated: 2022-12-27. Review status: criteria provided, single submitter. Criteria: Invitae Variant Classification Sherloc (09022015). Collection method: clinical testing. Allele origin: germline.